The following is an entry in ClinVar:

ClinVar aggregate classification (germline): Uncertain significance (1 of 4 stars; one submission).

Allele frequency attached by ClinVar (database versions not stated): gnomAD exomes below 0.00001.
gnomAD v4.1: 1 of 1,612,976 alleles (0.000062%); highest among the groups gnomAD compares: Non-Finnish European, 0.000085%; no homozygotes.

Submission:

CeGaT Center for Human Genetics Tuebingen
Classification: Uncertain significance. Last evaluated: 2023-12-01. Review status: criteria provided, single submitter. Criteria: CeGaT Center For Human Genetics Tuebingen Variant Classification Criteria Version 2. Collection method: clinical testing. Allele origin: germline. Affected: yes. Observed: 2 variant alleles.
Comment: PPP2CA: PP2, BP4

NM_002715.4(PPP2CA):c.304G>A (p.Ala102Thr)

Gene: PPP2CA (protein phosphatase 2 catalytic subunit alpha; minus strand). Cytogenetic location: 5q31.1.
Variant type: single nucleotide variant.
Coding change: c.304G>A on transcript NM_002715.4 (MANE Select); coding-DNA position 304, G replaced by A.
Protein change: p.Ala102Thr; replaces alanine 102 with threonine.
Molecular consequence: missense variant. On other transcripts: non-coding transcript variant (1).
Genome position (GRCh38, 1-based): chr5:134,205,930, C>T on the plus strand (G>A on the coding strand, the complement: PPP2CA is on the minus strand). VCF-style: chr5-134205930-C-T. GRCh37 (hg19) VCF-style: chr5-133541621-C-T.
Other names: c.109G>A, p.Ala37Thr (NM_001355019.2); short protein forms A102T, A37T.
Identifiers: ClinVar variation 2655708 (VCV002655708.24), dbSNP rs2481058173, ClinGen allele CA360993875.